The following is an entry in ClinVar:

NM_000179.3(MSH6):c.776del (p.Gly259fs)

Gene: MSH6 (mutS homolog 6; plus strand). Cytogenetic location: 2p16.3.
Variant type: Deletion.
Coding change: c.776del on transcript NM_000179.3 (MANE Select); coding-DNA position 776, one base deleted (G; older notation c.776delG).
Protein change: p.Gly259fs; shifts the reading frame from glycine 259.
Molecular consequence: frameshift variant. On other transcripts: non-coding transcript variant (4), intron variant (1), 5 prime UTR variant (9).
Genome position (GRCh38, 1-based): chr2:47,798,759, G deleted; the last of 2 consecutive G bases (chr2:47,798,758-47,798,759); deleting either gives the same sequence. VCF-style (leftmost placement, unchanged base first): chr2-47798757-TG-T. GRCh37 (hg19) VCF-style: chr2-48025896-TG-T.
Other names: c.479del, p.Gly160fs (NM_001406830.1, NM_001406821.1, NM_001406822.1 and 10 more transcripts); c.628-1907del (NM_001407362.1); c.-131del (NM_001406823.1, NM_001406829.1, NM_001406814.1 and 6 more transcripts); c.608del, p.Gly203fs (NM_001406826.1); c.776del, p.Gly259fs (NM_001406817.1, NM_001406796.1, NM_001406798.1 and 4 more transcripts); c.386del, p.Gly129fs (NM_001281492.2); c.872del, p.Gly291fs (NM_001406795.1, NM_001406802.1); c.251del, p.Gly84fs (NM_001406799.1, NM_001406806.1, NM_001406807.1); and 2 more; short protein forms G129fs, G160fs, G203fs, G233fs, G259fs, G261fs, G291fs, G84fs.
Identifiers: ClinVar variation 2673648 (VCV002673648.2), dbSNP rs1558659265, ClinGen allele CA2695200246.

ClinVar aggregate classification (germline): Pathogenic/Likely pathogenic. Review status: criteria provided, multiple submitters, no conflicts (2 of 4 stars). 2 submissions from 2 submitters: Pathogenic (1); Likely pathogenic (1). Last evaluated 2025-06-20.

Conditions:
Lynch syndrome. Identifiers: Orphanet 144, MedGen C4552100, MONDO:0005835. Disease mechanism: loss of function.
Lynch syndrome 5 (LYNCH5). Also called: Colorectal cancer, hereditary nonpolyposis, type 5; Hereditary non-polyposis colorectal cancer, type 5. Identifiers: Orphanet 144, MedGen C1833477, MONDO:0013710, OMIM 614350. Disease mechanism: loss of function.

Submissions (2):

GeneKor MSA
Classification: Likely pathogenic for Lynch syndrome. Last evaluated: 2025-06-20. Review status: criteria provided, single submitter. Criteria: ACMG Guidelines, 2015. Collection method: clinical testing. Allele origin: germline. Affected: yes.
Comment: This variant involves the deletion of a single nucleotide from exon 4 of the MSH6 mRNA (c.776delG), resulting in a frameshift and the creation of a premature stop codon 20 amino acids downstream -p.(Gly259Valfs*20). This alteration is expected to cause premature termination of protein synthesis and loss of function of one allele. This specific variant has not been described in the international literature and is listed in the ClinVar (VCV002673648.1). For these reasons, the variant is classified as likely pathogenic.

Myriad Genetics, Inc.
Classification: Pathogenic for Lynch syndrome 5. Last evaluated: 2023-08-10. Review status: criteria provided, single submitter. Criteria: Myriad Autosomal Dominant, Autosomal Recessive and X-Linked Classification Criteria (2023). Collection method: clinical testing. Allele origin: unknown.
Comment: This variant is considered pathogenic. This variant creates a frameshift predicted to result in premature protein truncation.